The following is an entry in ClinVar:

ClinVar aggregate classification (germline): Uncertain significance. Review status: criteria provided, multiple submitters, no conflicts (2 of 4 stars). 7 submissions from 7 submitters: Uncertain significance (6). 1 of the submissions does not count toward it. Last evaluated 2024-08-28.

Conditions:
Bardet-Biedl syndrome (BBS). Identifiers: Orphanet 110, MedGen C0752166, MONDO:0015229.
McKusick-Kaufman syndrome (MKKS). Also called: HYDROMETROCOLPOS SYNDROME; HYDROMETROCOLPOS, POSTAXIAL POLYDACTYLY, AND CONGENITAL HEART MALFORMATION. Identifiers: Orphanet 2473, MedGen C0948368, MONDO:0009367, OMIM 236700.
MKKS-related disorder. Also called: MKKS-related condition; MKKS-related disorders.
Bardet-Biedl syndrome 6 (BBS6). Identifiers: Orphanet 110, MedGen C1858054, MONDO:0011523, OMIM 605231.
Inborn genetic diseases. Identifiers: MedGen C0950123, MeSH D030342.

Allele frequency attached by ClinVar (database versions not stated): gnomAD exomes 0.00001 and 0.00004; ExAC 0.00004; ESP Exome Variant Server 0.00008; gnomAD 0.00014 and 0.00015; 1000 Genomes Project 30x 0.00016; TOPMed 0.00019; 1000 Genomes Project 0.00020.
gnomAD v4.1: 44 of 1,614,192 alleles (0.0027%); highest among the groups gnomAD compares: African/African-American, 0.043%; no homozygotes.

Submissions (7):

Blueprint Genetics
Classification: Uncertain significance. Last evaluated: 2024-08-28. Review status: criteria provided, single submitter. Criteria: ACMG Guidelines, 2015. Collection method: clinical testing. Allele origin: germline.

Ambry Genetics
Classification: Uncertain significance for Inborn genetic diseases. Last evaluated: 2024-08-01. Review status: criteria provided, single submitter. Criteria: Ambry Variant Classification Scheme 2023. Collection method: clinical testing. Allele origin: germline.

Fulgent Genetics
Classification: Uncertain significance for McKusick-Kaufman syndrome; Bardet-Biedl syndrome 6. Last evaluated: 2024-05-24. Review status: criteria provided, single submitter. Criteria: ACMG Guidelines, 2015. Collection method: clinical testing. Allele origin: germline.

Labcorp Genetics (formerly Invitae), Labcorp
Classification: Uncertain significance for McKusick-Kaufman syndrome; Bardet-Biedl syndrome. Last evaluated: 2022-10-17. Review status: criteria provided, single submitter. Criteria: Invitae Variant Classification Sherloc (09022015). Collection method: clinical testing. Allele origin: germline.
Comment: This sequence change replaces leucine, which is neutral and non-polar, with tryptophan, which is neutral and slightly polar, at codon 542 of the MKKS protein (p.Leu542Trp). This variant is present in population databases (rs372944937, gnomAD 0.04%). This variant has not been reported in the literature in individuals affected with MKKS-related conditions. ClinVar contains an entry for this variant (Variation ID: 1030676). Advanced modeling of protein sequence and biophysical properties (such as structural, functional, and spatial information, amino acid conservation, physicochemical variation, residue mobility, and thermodynamic stability) has been performed at Invitae for this missense variant, however the output from this modeling did not meet the statistical confidence thresholds required to predict the impact of this variant on MKKS protein function. In summary, the available evidence is currently insufficient to determine the role of this variant in disease. Therefore, it has been classified as a Variant of Uncertain Significance.

GeneDx
Classification: Uncertain significance. Last evaluated: 2021-02-17. Review status: criteria provided, single submitter. Criteria: GeneDx Variant Classification Process June 2021. Collection method: clinical testing. Allele origin: germline. Affected: yes.
Comment: In silico analysis supports that this missense variant does not alter protein structure/function; Has not been previously published as pathogenic or benign to our knowledge

Baylor Genetics
Classification: Uncertain significance for Bardet-Biedl syndrome 6. Last evaluated: 2019-03-15. Review status: criteria provided, single submitter. Criteria: ACMG Guidelines, 2015. Collection method: clinical testing. Allele origin: unknown. Affected: yes.
Comment: This variant was determined to be of uncertain significance according to ACMG Guidelines, 2015 [PMID:25741868].

PreventionGenetics, part of Exact Sciences
Classification: Uncertain significance for MKKS-related condition. Last evaluated: 2024-01-03. Review status: no assertion criteria provided. Collection method: clinical testing. Allele origin: germline. Not counted in ClinVar's aggregate classification.
Comment: The MKKS c.1625T>G variant is predicted to result in the amino acid substitution p.Leu542Trp. To our knowledge, this variant has not been reported in the literature. This variant is reported in 0.032% of alleles in individuals of African descent in gnomAD. At this time, the clinical significance of this variant is uncertain due to the absence of conclusive functional and genetic evidence.

NM_170784.3(MKKS):c.1625T>G (p.Leu542Trp)

Gene: MKKS (MKKS centrosomal shuttling protein; minus strand). Cytogenetic location: 20p12.2.
Variant type: single nucleotide variant.
Coding change: c.1625T>G on transcript NM_170784.3 (MANE Select); coding-DNA position 1625, T replaced by G.
Protein change: p.Leu542Trp; replaces leucine 542 with tryptophan.
Molecular consequence: missense variant. On other transcripts: non-coding transcript variant (1).
Genome position (GRCh38, 1-based): chr20:10,405,335, A>C on the plus strand (T>G on the coding strand, the complement: MKKS is on the minus strand). VCF-style: chr20-10405335-A-C. GRCh37 (hg19) VCF-style: chr20-10385983-A-C.
Other names: c.1625T>G, p.Leu542Trp (NM_018848.3); c.1625T>G (NM_018848.2); short protein forms L542W.
Identifiers: ClinVar variation 1030676 (VCV001030676.13), dbSNP rs372944937, ClinGen allele CA9763453.
Genomic context (GRCh38, chr20:10,405,335, plus strand): 5'-AGATCCAAAATCAAATTGGCTGTCTCTACAGCCACCTGTAGGCCACTAAGCTTTGCAGTC[A>C]AACAGTCCAAGGTCAGGTTGCTGGCTGAGCCCACAGCTTCATGTGGAAGGCAGCTTTGTG-3'
Protein context (NP_740754.1, residues 532-552): GSASNLTLDC[Leu542Trp]TAKLSGLQVA